The following is an entry in ClinVar:

NM_000370.3(TTPA):c.451C>T (p.Arg151Trp)

Gene: TTPA (alpha tocopherol transfer protein; minus strand). Cytogenetic location: 8q12.3.
Variant type: single nucleotide variant.
Coding change: c.451C>T on transcript NM_000370.3 (MANE Select); coding-DNA position 451, C replaced by T.
Protein change: p.Arg151Trp; replaces arginine 151 with tryptophan.
Molecular consequence: missense variant.
Genome position (GRCh38, 1-based): chr8:63,066,005, G>A on the plus strand (C>T on the coding strand, the complement: TTPA is on the minus strand). VCF-style: chr8-63066005-G-A. GRCh37 (hg19) VCF-style: chr8-63978564-G-A.
Other names: c.451C>T, p.Arg151Trp (NM_001413416.1); c.568C>T, p.Arg190Trp (NM_001413418.1); short protein forms R151W, R190W.
Identifiers: ClinVar variation 2155688 (VCV002155688.1), dbSNP rs973916151, ClinGen allele CA178384837.

ClinVar aggregate classification (germline): Uncertain significance (1 of 4 stars; one submission).

Allele frequency attached by ClinVar (database versions not stated): gnomAD 0.00002.

Submission:

Labcorp Genetics (formerly Invitae), Labcorp
Classification: Uncertain significance. Last evaluated: 2022-06-28. Review status: criteria provided, single submitter. Criteria: Invitae Variant Classification Sherloc (09022015). Collection method: clinical testing. Allele origin: germline.
Comment: This sequence change replaces arginine, which is basic and polar, with tryptophan, which is neutral and slightly polar, at codon 151 of the TTPA protein (p.Arg151Trp). This variant is present in population databases (no rsID available, gnomAD 0.003%). This variant has not been reported in the literature in individuals affected with TTPA-related conditions. Algorithms developed to predict the effect of missense changes on protein structure and function (SIFT, PolyPhen-2, Align-GVGD) all suggest that this variant is likely to be disruptive. In summary, the available evidence is currently insufficient to determine the role of this variant in disease. Therefore, it has been classified as a Variant of Uncertain Significance.